The following is an entry in ClinVar:

NM_000533.5(PLP1):c.489G>C (p.Trp163Cys)

Genes: PLP1 (proteolipid protein 1; plus strand), RAB9B (RAB9B, member RAS oncogene family; minus strand). Cytogenetic location: Xq22.2.
Variant type: single nucleotide variant.
Coding change: c.489G>C on transcript NM_000533.5 (MANE Select); coding-DNA position 489, G replaced by C.
Protein change: p.Trp163Cys; replaces tryptophan 163 with cysteine.
Molecular consequence: missense variant.
Genome position (GRCh38, 1-based): chrX:103,787,833, G>C. VCF-style: chrX-103787833-G-C. GRCh37 (hg19) VCF-style: chrX-103042762-G-C.
Other names: c.489G>C, p.Trp163Cys (NM_001128834.3); c.324G>C, p.Trp108Cys (NM_001305004.1); c.384G>C, p.Trp128Cys (NM_199478.3); short protein forms W128C, W163C, W108C.
Identifiers: ClinVar variation 2069493 (VCV002069493.4), dbSNP rs1602384101, ClinGen allele CA414103664.

ClinVar aggregate classification (germline): Uncertain significance (1 of 4 stars; one submission).

Conditions:
Hereditary spastic paraplegia 2 (SPG2). Also called: Spastic Paraplegia 2 (SPG2); SPASTIC PARAPLEGIA 2, X-LINKED. Identifiers: Orphanet 99015, MedGen C0751604, MONDO:0010733, OMIM 312920.

Submission:

Labcorp Genetics (formerly Invitae), Labcorp
Classification: Uncertain significance for Hereditary spastic paraplegia 2. Last evaluated: 2022-07-18. Review status: criteria provided, single submitter. Criteria: Invitae Variant Classification Sherloc (09022015). Collection method: clinical testing. Allele origin: germline.
Comment: In summary, the available evidence is currently insufficient to determine the role of this variant in disease. Therefore, it has been classified as a Variant of Uncertain Significance. This variant disrupts the p.Trp163 amino acid residue in PLP1. Other variant(s) that disrupt this residue have been observed in individuals with PLP1-related conditions (PMID: 2479017, 3827224, 16844304), which suggests that this may be a clinically significant amino acid residue. Algorithms developed to predict the effect of missense changes on protein structure and function are either unavailable or do not agree on the potential impact of this missense change (SIFT: "Not Available"; PolyPhen-2: "Probably Damaging"; Align-GVGD: "Not Available"). This variant has not been reported in the literature in individuals affected with PLP1-related conditions. This variant is not present in population databases (gnomAD no frequency). This sequence change replaces tryptophan, which is neutral and slightly polar, with cysteine, which is neutral and slightly polar, at codon 163 of the PLP1 protein (p.Trp163Cys).

Literature cited by the submitters: PubMed 2479017; PubMed 3827224; PubMed 16844304.